The following is an entry in ClinVar:

NM_001349253.2(SCN11A):c.327G>T (p.Leu109Phe)

Gene: SCN11A (sodium voltage-gated channel alpha subunit 11; minus strand). Cytogenetic location: 3p22.2.
Variant type: single nucleotide variant.
Coding change: c.327G>T on transcript NM_001349253.2 (MANE Select); coding-DNA position 327, G replaced by T.
Protein change: p.Leu109Phe; replaces leucine 109 with phenylalanine.
Molecular consequence: missense variant.
Genome position (GRCh38, 1-based): chr3:38,946,848, C>A on the plus strand (G>T on the coding strand, the complement: SCN11A is on the minus strand). VCF-style: chr3-38946848-C-A. GRCh37 (hg19) VCF-style: chr3-38988339-C-A.
Other names: c.327G>T, p.Leu109Phe (NM_014139.3); short protein forms L109F.
Identifiers: ClinVar variation 860046 (VCV000860046.6), dbSNP rs758993292, ClinGen allele CA352175609.

ClinVar aggregate classification (germline): Uncertain significance (1 of 4 stars; one submission).

Conditions:
Hereditary sensory and autonomic neuropathy type 7. Also called: HSAN VII; Neuropathy, hereditary sensory and autonomic, type VII. Identifiers: Orphanet 391397, MedGen C3809882, MONDO:0014244, OMIM 615548.
Familial episodic pain syndrome with predominantly lower limb involvement. Also called: Episodic pain syndrome, familial, 3. Identifiers: Orphanet 391384, Orphanet 391392, MedGen C3809899, MONDO:0014247, OMIM 615552.

Allele frequency attached by ClinVar (database versions not stated): TOPMed below 0.00001.
gnomAD v4.1: 5 of 1,614,028 alleles (0.00031%); highest among the groups gnomAD compares: Admixed American, 0.0017%; no homozygotes.

Submission:

Labcorp Genetics (formerly Invitae), Labcorp
Classification: Uncertain significance for Familial episodic pain syndrome with predominantly lower limb involvement; Hereditary sensory and autonomic neuropathy type 7. Last evaluated: 2020-02-05. Review status: criteria provided, single submitter. Criteria: Invitae Variant Classification Sherloc (09022015). Collection method: clinical testing. Allele origin: germline.
Comment: In summary, the available evidence is currently insufficient to determine the role of this variant in disease. Therefore, it has been classified as a Variant of Uncertain Significance. Algorithms developed to predict the effect of missense changes on protein structure and function are either unavailable or do not agree on the potential impact of this missense change (SIFT: "Deleterious"; PolyPhen-2: "Probably Damaging"; Align-GVGD: "Class C15"). This variant has not been reported in the literature in individuals with SCN11A-related conditions. This variant is not present in population databases (ExAC no frequency). This sequence change replaces leucine with phenylalanine at codon 109 of the SCN11A protein (p.Leu109Phe). The leucine residue is highly conserved and there is a small physicochemical difference between leucine and phenylalanine.